The following is an entry in ClinVar:

NM_080680.3(COL11A2):c.2700_2701inv (p.Gly901Arg)

Gene: COL11A2 (collagen type XI alpha 2 chain; minus strand). Cytogenetic location: 6p21.32.
Variant type: Inversion.
Coding change: c.2700_2701inv on transcript NM_080680.3 (MANE Select).
Protein change: p.Gly901Arg; replaces glycine 901 with arginine.
Molecular consequence: missense variant.
Genome position: GRCh38 VCF-style: chr6-33173383-CA-TG. GRCh37 (hg19) VCF-style: chr6-33141160-CA-TG.
Other names: c.2379_2380inv, p.Gly794Arg (NM_080679.3); c.2442_2443inv, p.Gly815Arg (NM_080681.3); short protein forms G815R, G901R, G794R.
Identifiers: ClinVar variation 1400509 (VCV001400509.9), ClinGen allele CA2573140219.

ClinVar aggregate classification (germline): Uncertain significance (1 of 4 stars; one submission).

Submission:

Labcorp Genetics (formerly Invitae), Labcorp
Classification: Uncertain significance. Last evaluated: 2025-03-06. Review status: criteria provided, single submitter. Criteria: Invitae Variant Classification Sherloc (09022015). Collection method: clinical testing. Allele origin: germline.
Comment: This sequence change replaces glycine, which is neutral and non-polar, with arginine, which is basic and polar, at codon 901 of the COL11A2 protein (p.Gly901Arg). Information on the frequency of this variant in the gnomAD database is not available, as this variant may be reported differently in the database. This variant has not been reported in the literature in individuals affected with COL11A2-related conditions. ClinVar contains an entry for this variant (Variation ID: 1400509). Experimental studies and prediction algorithms are not available or were not evaluated, and the functional significance of this variant is currently unknown. In summary, the available evidence is currently insufficient to determine the role of this variant in disease. Therefore, it has been classified as a Variant of Uncertain Significance.